The following is an entry in ClinVar:

NM_005585.5(SMAD6):c.817G>C (p.Glu273Gln)

Gene: SMAD6 (SMAD family member 6; plus strand). Cytogenetic location: 15q22.31.
Variant type: single nucleotide variant.
Coding change: c.817G>C on transcript NM_005585.5 (MANE Select); coding-DNA position 817, G replaced by C.
Protein change: p.Glu273Gln; replaces glutamic acid 273 with glutamine.
Molecular consequence: missense variant. On other transcripts: non-coding transcript variant (1).
Genome position (GRCh38, 1-based): chr15:66,704,075, G>C. VCF-style: chr15-66704075-G-C. GRCh37 (hg19) VCF-style: chr15-66996413-G-C.
Other names: short protein forms E273Q.
Identifiers: ClinVar variation 2430871 (VCV002430871.2), dbSNP rs1259557323, ClinGen allele CA392950309.

ClinVar aggregate classification (germline): Pathogenic (1 of 4 stars; one submission).

gnomAD v4.1: 3 of 1,478,930 alleles (0.0002%); highest among the groups gnomAD compares: Non-Finnish European, 0.00027%; no homozygotes.

Submission:

GeneDx
Classification: Pathogenic. Last evaluated: 2024-07-25. Review status: criteria provided, single submitter. Criteria: GeneDx Variant Classification Process June 2021. Collection method: clinical testing. Allele origin: germline.
Comment: Reported in a patient with sagittal craniosynostosis, congenital heart defects, mild speech delay, and velopharyngeal insufficiency (PMID: 32499606); Not observed at significant frequency in large population cohorts (gnomAD); In silico analysis indicates that this missense variant does not alter protein structure/function; Published functional studies demonstrate that this variant that alters the last nucleotide of the exon and is predicted to destroy the splice donor site results in abnormal splicing leading to a premature stop codon (PMID: 32499606); This variant is associated with the following publications: (PMID: 32499606)